The following is an entry in ClinVar:

NM_001283009.2(RTEL1):c.3475C>T (p.Leu1159Phe)

Genes: RTEL1-TNFRSF6B (RTEL1-TNFRSF6B readthrough (NMD candidate); plus strand), RTEL1 (regulator of telomere elongation helicase 1; plus strand). Cytogenetic location: 20q13.33.
Variant type: single nucleotide variant.
Coding change: c.3475C>T on transcript NM_001283009.2 (MANE Select); coding-DNA position 3475, C replaced by T.
Protein change: p.Leu1159Phe; replaces leucine 1159 with phenylalanine.
Molecular consequence: missense variant. On other transcripts: non-coding transcript variant (1).
Genome position (GRCh38, 1-based): chr20:63,695,197, C>T. VCF-style: chr20-63695197-C-T. GRCh37 (hg19) VCF-style: chr20-62326550-C-T.
Other names: c.2806C>T, p.Leu936Phe (NM_001283010.1); c.3475C>T, p.Leu1159Phe (NM_016434.4); c.3547C>T, p.Leu1183Phe (NM_032957.5); short protein forms L1159F, L1183F, L936F.
Identifiers: ClinVar variation 1312530 (VCV001312530.13), dbSNP rs1267571923, ClinGen allele CA409685498.

ClinVar aggregate classification (germline): Uncertain significance. Review status: criteria provided, multiple submitters, no conflicts (2 of 4 stars). 5 submissions from 5 submitters: Uncertain significance (5). Last evaluated 2026-01-18.

Conditions:
Pulmonary fibrosis and/or bone marrow failure, Telomere-related, 3. Also called: PULMONARY FIBROSIS AND/OR BONE MARROW FAILURE SYNDROME, TELOMERE-RELATED, 3. Identifiers: Orphanet 2032, MedGen C4225346, MONDO:0014613, OMIM 616373.
Dyskeratosis congenita, autosomal recessive 5 (DKCB5). Identifiers: MedGen C3554656, MONDO:0014076, OMIM 615190.
Inborn genetic diseases. Identifiers: MedGen C0950123, MeSH D030342.

Allele frequency attached by ClinVar (database versions not stated): TOPMed below 0.00001; gnomAD 0.00001.

Submissions (5):

Labcorp Genetics (formerly Invitae), Labcorp
Classification: Uncertain significance for Dyskeratosis congenita, autosomal recessive 5; Pulmonary fibrosis and/or bone marrow failure, Telomere-related, 3. Last evaluated: 2026-01-18. Review status: criteria provided, single submitter. Criteria: Invitae Variant Classification Sherloc (09022015). Collection method: clinical testing. Allele origin: germline.
Comment: This sequence change replaces leucine, which is neutral and non-polar, with phenylalanine, which is neutral and non-polar, at codon 1159 of the RTEL1 protein (p.Leu1159Phe). This variant is not present in population databases (gnomAD no frequency). This variant has not been reported in the literature in individuals affected with RTEL1-related conditions. ClinVar contains an entry for this variant (Variation ID: 1312530). An algorithm developed to predict the effect of missense changes on protein structure and function outputs the following: PolyPhen-2: "Benign". The phenylalanine amino acid residue is found in multiple mammalian species, which suggests that this missense change does not adversely affect protein function. In summary, the available evidence is currently insufficient to determine the role of this variant in disease. Therefore, it has been classified as a Variant of Uncertain Significance.

CeGaT Center for Human Genetics Tuebingen
Classification: Uncertain significance. Last evaluated: 2025-07-01. Review status: criteria provided, single submitter. Criteria: CeGaT Center For Human Genetics Tuebingen Variant Classification Criteria Version 2. Collection method: clinical testing. Allele origin: germline. Affected: yes. Observed: 1 variant allele.

Ambry Genetics
Classification: Uncertain significance for Inborn genetic diseases. Last evaluated: 2025-04-19. Review status: criteria provided, single submitter. Criteria: Ambry Variant Classification Scheme 2023. Collection method: clinical testing. Allele origin: germline.
Comment: The p.L1159F variant (also known as c.3475C>T), located in coding exon 32 of the RTEL1 gene, results from a C to T substitution at nucleotide position 3475. The leucine at codon 1159 is replaced by phenylalanine, an amino acid with highly similar properties. This amino acid position is conserved. In addition, this alteration is predicted to be tolerated by in silico analysis. Based on the available evidence, the clinical significance of this variant remains unclear.

Women's Health and Genetics/Laboratory Corporation of America, LabCorp
Classification: Uncertain significance. Last evaluated: 2024-12-09. Review status: criteria provided, single submitter. Criteria: LabCorp Variant Classification Summary - May 2015. Collection method: clinical testing. Allele origin: germline.
Comment: Variant summary: RTEL1 c.3547C>T (p.Leu1183Phe) results in a non-conservative amino acid change in the encoded protein sequence. Four of five in-silico tools predict a benign effect of the variant on protein function. The variant was absent in 245556 control chromosomes. The available data on variant occurrences in the general population are insufficient to allow any conclusion about variant significance. To our knowledge, no occurrence of c.3547C>T in individuals affected with Dyskeratosis Congenita (Hoyeraal Hreidarsson Syndrome) and no experimental evidence demonstrating its impact on protein function have been reported. ClinVar contains an entry for this variant (Variation ID: 1312530). Based on the evidence outlined above, the variant was classified as uncertain significance.

GeneDx
Classification: Uncertain significance. Last evaluated: 2020-03-05. Review status: criteria provided, single submitter. Criteria: GeneDx Variant Classification Process June 2021. Collection method: clinical testing. Allele origin: germline. Affected: yes.
Comment: Not observed in large population cohorts (Lek et al., 2016); In silico analysis, which includes protein predictors and evolutionary conservation, supports that this variant does not alter protein structure/function; Has not been previously published as pathogenic or benign to our knowledge